The following is an entry in ClinVar:

NM_021930.6(RINT1):c.2179T>C (p.Phe727Leu)

Genes: EFCAB10 (EF-hand calcium binding domain 10; minus strand), RINT1 (RAD50 interactor 1; plus strand). Cytogenetic location: 7q22.3.
Variant type: single nucleotide variant.
Coding change: c.2179T>C on transcript NM_021930.6 (MANE Select); coding-DNA position 2179, T replaced by C.
Protein change: p.Phe727Leu; replaces phenylalanine 727 with leucine.
Molecular consequence: missense variant. On other transcripts: non-coding transcript variant (1), intron variant (3).
Genome position (GRCh38, 1-based): chr7:105,565,641, T>C. VCF-style: chr7-105565641-T-C. GRCh37 (hg19) VCF-style: chr7-105206088-T-C.
Other names: c.1945T>C, p.Phe649Leu (NM_001346599.2); c.1156T>C, p.Phe386Leu (NM_001346600.2, NM_001346603.2); c.1255T>C, p.Phe419Leu (NM_001346601.2); c.360-194A>G (NM_001355531.2); c.384-194A>G (NM_001355526.2); c.384-26A>G (NM_001355530.2); short protein forms F386L, F419L, F649L, F727L.
Identifiers: ClinVar variation 1060884 (VCV001060884.11), dbSNP rs539601125, ClinGen allele CA4426887.

ClinVar aggregate classification (germline): Uncertain significance. Review status: criteria provided, multiple submitters, no conflicts (2 of 4 stars). 2 submissions from 2 submitters: Uncertain significance (2). Last evaluated 2025-04-29.

Allele frequency attached by ClinVar (database versions not stated): gnomAD exomes 0.00002 and 0.00006; TOPMed 0.00002; gnomAD 0.00003; ExAC 0.00007; 1000 Genomes Project 30x 0.00016; 1000 Genomes Project 0.00020.
gnomAD v4.1: 35 of 1,583,216 alleles (0.0022%); highest among the groups gnomAD compares: South Asian, 0.032%; no homozygotes.

Submissions (2):

Labcorp Genetics (formerly Invitae), Labcorp
Classification: Uncertain significance. Last evaluated: 2025-04-29. Review status: criteria provided, single submitter. Criteria: Invitae Variant Classification Sherloc (09022015). Collection method: clinical testing. Allele origin: germline.
Comment: This sequence change replaces phenylalanine, which is neutral and non-polar, with leucine, which is neutral and non-polar, at codon 727 of the RINT1 protein (p.Phe727Leu). This variant is present in population databases (rs539601125, gnomAD 0.04%). This variant has not been reported in the literature in individuals affected with RINT1-related conditions. ClinVar contains an entry for this variant (Variation ID: 1060884). An algorithm developed to predict the effect of missense changes on protein structure and function (PolyPhen-2) suggests that this variant is likely to be disruptive. In summary, the available evidence is currently insufficient to determine the role of this variant in disease. Therefore, it has been classified as a Variant of Uncertain Significance.

Ambry Genetics
Classification: Uncertain significance. Last evaluated: 2025-01-21. Review status: criteria provided, single submitter. Criteria: Ambry Variant Classification Scheme 2023. Collection method: clinical testing. Allele origin: germline.
Comment: The p.F727L variant (also known as c.2179T>C), located in coding exon 14 of the RINT1 gene, results from a T to C substitution at nucleotide position 2179. The phenylalanine at codon 727 is replaced by leucine, an amino acid with highly similar properties. This amino acid position is highly conserved in available vertebrate species. In addition, the in silico prediction for this alteration is inconclusive. The evidence for this gene-disease relationship is limited; therefore, the clinical significance of this alteration is unclear.